The following is an entry in ClinVar:

ClinVar aggregate classification (germline): Pathogenic. Review status: reviewed by expert panel (3 of 4 stars). 5 submissions from 5 submitters: Pathogenic (1). 4 of the submissions do not count toward it. Last evaluated 2016-09-08.

Conditions:
Hereditary cancer-predisposing syndrome. Also called: Tumor predisposition; Neoplastic Syndromes, Hereditary; Hereditary neoplastic syndrome; Hereditary Cancer Syndrome. Identifiers: Orphanet 140162, MedGen C0027672, MeSH D009386, MONDO:0015356.
Hereditary breast ovarian cancer syndrome. Also called: BRCA1- and BRCA2-Associated Hereditary Breast and Ovarian Cancer; Hereditary breast and ovarian cancer syndrome (HBOC); Breast and ovarian cancer; Hereditary breast and ovarian cancer; Hereditary breast and/or ovarian cancer syndrome; Hereditary breast and ovarian cancer syndrome. Identifiers: Orphanet 145, MedGen C0677776, MeSH D061325, MONDO:0003582. Disease mechanism: loss of function.
Breast-ovarian cancer, familial, susceptibility to, 1 (BROVCA1). Also called: BRCA1 Hereditary Breast and Ovarian Cancer; OVARIAN CANCER, SUSCEPTIBILITY TO. Identifiers: Orphanet 145, MedGen C2676676, MONDO:0011450, OMIM 604370. Disease mechanism: loss of function.

Submissions (5):

Evidence-based Network for the Interpretation of Germline Mutant Alleles (ENIGMA)
Classification: Pathogenic for Breast-ovarian cancer, familial, susceptibility to, 1. Last evaluated: 2016-09-08. Review status: reviewed by expert panel. Criteria: ENIGMA BRCA1/2 Classification Criteria (2015). Collection method: curation. Allele origin: germline.
Comment: Variant allele predicted to encode a truncated non-functional protein.

Praxis Für Humangenetik, Biosciencia MVZ Labor Saar
Classification: Pathogenic for Hereditary cancer-predisposing syndrome. Last evaluated: 2026-03-03. Review status: criteria provided, single submitter. Criteria: ACMG Guidelines, 2015. Collection method: clinical testing. Allele origin: germline. Affected: yes. Not counted in ClinVar's aggregate classification.
Comment: This alteration has already been demonstrated in the literature in individuals with ovarian and/or breast cancer (“pathogenic” Expert Panel ENIGMA, ClinVar Variation ID: 54236, Accession: VCV000054236.8, Peyrat et al., 1998, PMID: 10866029; Rebbeck et al., 2016, PMID: 27836010). This variant has not yet been documented in the healthy population (gnomAD v4.1: no frequency).

Labcorp Genetics (formerly Invitae), Labcorp
Classification: Pathogenic for Hereditary breast ovarian cancer syndrome. Last evaluated: 2025-12-22. Review status: criteria provided, single submitter. Criteria: Invitae Variant Classification Sherloc (09022015). Collection method: clinical testing. Allele origin: germline. Not counted in ClinVar's aggregate classification.
Comment: This sequence change creates a premature translational stop signal (p.Thr464Profs*11) in the BRCA1 gene. It is expected to result in an absent or disrupted protein product. Loss-of-function variants in BRCA1 are known to be pathogenic (PMID: 20104584). This variant is not present in population databases (gnomAD no frequency). This premature translational stop signal has been observed in individual(s) with breast/and or ovarian cancer (PMID: 10866029, 27836010). This variant is also known as 1506delA or c.1387delA. ClinVar contains an entry for this variant (Variation ID: 54236). For these reasons, this variant has been classified as Pathogenic.

Consortium of Investigators of Modifiers of BRCA1/2 (CIMBA), c/o University of Cambridge
Classification: Pathogenic for Breast-ovarian cancer, familial, susceptibility to, 1. Last evaluated: 2015-10-02. Review status: criteria provided, single submitter. Criteria: CIMBA Mutation Classification guidelines May 2016. Collection method: clinical testing. Allele origin: germline. Not counted in ClinVar's aggregate classification.

Breast Cancer Information Core (BIC) (BRCA1)
Classification: Pathogenic for Breast-ovarian cancer, familial 1. Last evaluated: 1997-11-18. Review status: no assertion criteria provided. Collection method: clinical testing. Allele origin: germline. Affected: yes. Observed: 1 variant allele. Not counted in ClinVar's aggregate classification.

Literature cited by the submitters: PubMed 10866029 (cited by Praxis Für Humangenetik, Biosciencia MVZ Labor Saar and Labcorp Genetics (formerly Invitae), Labcorp); PubMed 27836010 (cited by Praxis Für Humangenetik, Biosciencia MVZ Labor Saar and Labcorp Genetics (formerly Invitae), Labcorp); PubMed 20104584 (cited by Labcorp Genetics (formerly Invitae), Labcorp).

NM_007294.4(BRCA1):c.1390del (p.Thr464fs)

Gene: BRCA1 (BRCA1 DNA repair associated; minus strand). Cytogenetic location: 17q21.31.
Variant type: Deletion.
Coding change: c.1390del on transcript NM_007294.4 (MANE Select); coding-DNA position 1390, one base deleted (A; older notation c.1390delA).
Protein change: p.Thr464fs; shifts the reading frame from threonine 464.
Molecular consequence: frameshift variant. On other transcripts: intron variant (137).
Genome position (GRCh38, 1-based): chr17:43,094,141, T deleted on the plus strand (A on the coding strand, the reverse complement: BRCA1 is on the minus strand); the first of 4 consecutive T bases (chr17:43,094,141-43,094,144); deleting any one gives the same sequence. VCF-style (leftmost placement, unchanged base first): chr17-43094140-GT-G. GRCh37 (hg19) VCF-style: chr17-41246157-GT-G.
Other names: 1509delA; 1506delA; c.1390delA (NM_007294.3); c.1177del, p.Thr393fs (NM_001407571.1, NM_001407853.1, NM_001407894.1 and 9 more transcripts); c.1390del, p.Thr464fs (NM_001407581.1, NM_001407582.1, NM_001407583.1 and 30 more transcripts); c.1387del, p.Thr463fs (NM_001407587.1, NM_001407590.1, NM_001407591.1 and 22 more transcripts); c.1381del, p.Thr461fs (NM_001407646.1, NM_001407647.1); c.1267del, p.Thr423fs (NM_001407648.1, NM_001407664.1, NM_001407665.1 and 19 more transcripts); and 43 more; short protein forms T417fs, T464fs, T336fs, T337fs, T396fs, T416fs, T463fs, T168fs.
Identifiers: ClinVar variation 54236 (VCV000054236.8), dbSNP rs80357770, ClinGen allele CA000926.